The following is an entry in ClinVar:

NM_020312.4(COQ9):c.55C>T (p.Gln19Ter)

Genes: COQ9 (coenzyme Q9; plus strand), LOC112469007 (Sharpr-MPRA regulatory region 5957; plus strand). Cytogenetic location: 16q21.
Variant type: single nucleotide variant.
Coding change: c.55C>T on transcript NM_020312.4 (MANE Select); coding-DNA position 55, C replaced by T.
Protein change: p.Gln19Ter; replaces glutamine 19 with a stop codon.
Molecular consequence: nonsense.
Genome position (GRCh38, 1-based): chr16:57,447,560, C>T. VCF-style: chr16-57447560-C-T. GRCh37 (hg19) VCF-style: chr16-57481472-C-T.
Other names: short protein forms Q19*.
Identifiers: ClinVar variation 3902374 (VCV003902374.2).

ClinVar aggregate classification (germline): Pathogenic. Review status: criteria provided, multiple submitters, no conflicts (2 of 4 stars). 2 submissions from 2 submitters: Pathogenic (2). Last evaluated 2025-12-19.

Conditions:
Encephalopathy-hypertrophic cardiomyopathy-renal tubular disease syndrome. Identifiers: Orphanet 319678, MedGen C3553374, MONDO:0013840, OMIM 614654.

gnomAD v4.1: 2 of 1,291,356 alleles (0.00015%); highest among the groups gnomAD compares: Non-Finnish European, 0.0002%; no homozygotes.

Submissions (2):

Labcorp Genetics (formerly Invitae), Labcorp
Classification: Pathogenic. Last evaluated: 2025-12-19. Review status: criteria provided, single submitter. Criteria: Invitae Variant Classification Sherloc (09022015). Collection method: clinical testing. Allele origin: germline.
Comment: This sequence change creates a premature translational stop signal (p.Gln19*) in the COQ9 gene. It is expected to result in an absent or disrupted protein product. Loss-of-function variants in COQ9 are known to be pathogenic (PMID: 19375058, 26081641). This variant is not present in population databases (gnomAD no frequency). This variant has not been reported in the literature in individuals affected with COQ9-related conditions. ClinVar contains an entry for this variant (Variation ID: 3902374). For these reasons, this variant has been classified as Pathogenic.

Women's Health and Genetics/Laboratory Corporation of America, LabCorp
Classification: Pathogenic for Encephalopathy-hypertrophic cardiomyopathy-renal tubular disease syndrome. Last evaluated: 2025-05-08. Review status: criteria provided, single submitter. Criteria: LabCorp Variant Classification Summary - May 2015. Collection method: clinical testing. Allele origin: germline.
Comment: Variant summary: COQ9 c.55C>T (p.Gln19X) results in a premature termination codon, predicted to cause a truncation of the encoded protein or absence of the protein due to nonsense mediated decay, which are commonly known mechanisms for disease. The variant allele was found at a frequency of 1.8e-06 in 1138992 control chromosomes. To our knowledge, no occurrence of c.55C>T in individuals affected with Coenzyme Q10 Deficiency, Primary, 5 and no experimental evidence demonstrating its impact on protein function have been reported. No submitters have cited clinical-significance assessments for this variant to ClinVar. Based on the evidence outlined above, the variant was classified as pathogenic.

Literature cited by the submitters: PubMed 19375058 (cited by Labcorp Genetics (formerly Invitae), Labcorp); PubMed 26081641 (cited by Labcorp Genetics (formerly Invitae), Labcorp).